The following is an entry in ClinVar:

NM_004187.5(KDM5C):c.4095G>A (p.Pro1365=)

Gene: KDM5C (lysine demethylase 5C; minus strand). Cytogenetic location: Xp11.22.
Variant type: single nucleotide variant.
Coding change: c.4095G>A on transcript NM_004187.5 (MANE Select); coding-DNA position 4095, G replaced by A.
Protein change: p.Pro1365=; no amino-acid change (proline 1365 retained).
Molecular consequence: synonymous variant. On other transcripts: non-coding transcript variant (3).
Genome position (GRCh38, 1-based): chrX:53,193,795, C>T on the plus strand (G>A on the coding strand, the complement: KDM5C is on the minus strand). VCF-style: chrX-53193795-C-T. GRCh37 (hg19) VCF-style: chrX-53222977-C-T.
Other names: c.3894G>A, p.Pro1298= (NM_001146702.2); c.4092G>A, p.Pro1364= (NM_001282622.3, NM_001353979.2, NM_001353982.2); c.4095G>A, p.Pro1365= (NM_001353978.3, NM_001353981.2, NM_001353984.2).
Identifiers: ClinVar variation 2903626 (VCV002903626.22), dbSNP rs782341566, ClinGen allele CA10419135.

ClinVar aggregate classification (germline): Likely benign. Review status: criteria provided, multiple submitters, no conflicts (2 of 4 stars). 3 submissions from 3 submitters: Likely benign (3). Last evaluated 2024-06-01.

Conditions:
Spastic paraplegia. Identifiers: MedGen C0037772, HP:0001258.

Allele frequency attached by ClinVar (database versions not stated): gnomAD exomes below 0.00001; TOPMed 0.00001.
gnomAD v4.1: 4 of 1,210,640 alleles (0.00033%); highest among the groups gnomAD compares: South Asian, 0.0018%; no homozygotes.

Submissions (3):

CeGaT Center for Human Genetics Tuebingen
Classification: Likely benign. Last evaluated: 2024-06-01. Review status: criteria provided, single submitter. Criteria: CeGaT Center For Human Genetics Tuebingen Variant Classification Criteria Version 2. Collection method: clinical testing. Allele origin: germline. Affected: yes. Observed: 1 variant allele.
Comment: KDM5C: BP4, BP7

Women's Health and Genetics/Laboratory Corporation of America, LabCorp
Classification: Likely benign. Last evaluated: 2024-02-11. Review status: criteria provided, single submitter. Criteria: LabCorp Variant Classification Summary - May 2015. Collection method: clinical testing. Allele origin: germline.

Labcorp Genetics (formerly Invitae), Labcorp
Classification: Likely benign for Spastic paraplegia. Last evaluated: 2024-02-05. Review status: criteria provided, single submitter. Criteria: Invitae Variant Classification Sherloc (09022015). Collection method: clinical testing. Allele origin: germline.